The following is an entry in ClinVar:

ClinVar aggregate classification (germline): Uncertain significance. Review status: criteria provided, multiple submitters, no conflicts (2 of 4 stars). 2 submissions from 2 submitters: Uncertain significance (2). Last evaluated 2025-08-04.

Conditions:
Hereditary motor and sensory neuropathy, Okinawa type (HMSNO). Also called: HEREDITARY MOTOR AND SENSORY NEUROPATHY, PROXIMAL TYPE. Identifiers: Orphanet 90117, MedGen C1858338, MONDO:0011468, OMIM 604484.
Hereditary spastic paraplegia 57. Also called: Spastic paraplegia 57, autosomal recessive. Identifiers: Orphanet 431329, MedGen C3714897, MONDO:0014295, OMIM 615658.
Inborn genetic diseases. Identifiers: MedGen C0950123, MeSH D030342.

Allele frequency attached by ClinVar (database versions not stated): gnomAD exomes below 0.00001; TOPMed 0.00002; gnomAD 0.00003.
gnomAD v4.1: 8 of 1,611,934 alleles (0.0005%); highest among the groups gnomAD compares: African/African-American, 0.011%; no homozygotes.

Submissions (2):

Labcorp Genetics (formerly Invitae), Labcorp
Classification: Uncertain significance for Hereditary motor and sensory neuropathy, Okinawa type; Hereditary spastic paraplegia 57. Last evaluated: 2025-08-04. Review status: criteria provided, single submitter. Criteria: Invitae Variant Classification Sherloc (09022015). Collection method: clinical testing. Allele origin: germline.
Comment: This sequence change replaces aspartic acid, which is acidic and polar, with asparagine, which is neutral and polar, at codon 121 of the TFG protein (p.Asp121Asn). This variant is present in population databases (no rsID available, gnomAD 0.007%). This variant has not been reported in the literature in individuals affected with TFG-related conditions. ClinVar contains an entry for this variant (Variation ID: 1733307). Invitae Evidence Modeling of protein sequence and biophysical properties (such as structural, functional, and spatial information, amino acid conservation, physicochemical variation, residue mobility, and thermodynamic stability) indicates that this missense variant is not expected to disrupt TFG protein function with a negative predictive value of 80%. In summary, the available evidence is currently insufficient to determine the role of this variant in disease. Therefore, it has been classified as a Variant of Uncertain Significance.

Ambry Genetics
Classification: Uncertain significance for Inborn genetic diseases. Last evaluated: 2022-04-07. Review status: criteria provided, single submitter. Criteria: Ambry Variant Classification Scheme 2023. Collection method: clinical testing. Allele origin: germline.
Comment: The p.D121N variant (also known as c.361G>A), located in coding exon 3 of the TFG gene, results from a G to A substitution at nucleotide position 361. The aspartic acid at codon 121 is replaced by asparagine, an amino acid with highly similar properties. This amino acid position is conserved. In addition, this alteration is predicted to be tolerated by in silico analysis. Since supporting evidence is limited at this time, the clinical significance of this alteration remains unclear.

NM_006070.6(TFG):c.361G>A (p.Asp121Asn)

Gene: TFG (trafficking from ER to golgi regulator; plus strand). Cytogenetic location: 3q12.2.
Variant type: single nucleotide variant.
Coding change: c.361G>A on transcript NM_006070.6 (MANE Select); coding-DNA position 361, G replaced by A.
Protein change: p.Asp121Asn; replaces aspartic acid 121 with asparagine.
Molecular consequence: missense variant.
Genome position (GRCh38, 1-based): chr3:100,728,804, G>A. VCF-style: chr3-100728804-G-A. GRCh37 (hg19) VCF-style: chr3-100447648-G-A.
Other names: c.361G>A, p.Asp121Asn (NM_001007565.2, NM_001195478.2, NM_001195479.2); short protein forms D121N.
Identifiers: ClinVar variation 1733307 (VCV001733307.5), dbSNP rs907540820, ClinGen allele CA79700013.